The following is an entry in ClinVar:

NM_024529.5(CDC73):c.423+18_423+19insTTTTTTTTNNNNNNN

Gene: CDC73 (cell division cycle 73; plus strand). Cytogenetic location: 1q31.2.
Variant type: Insertion.
Coding change: c.423+18_423+19insTTTTTTTTNNNNNNN on transcript NM_024529.5 (MANE Select); bases 18 to 19 of the intron after coding-DNA position 423, TTTTTTTTNNNNNNN inserted.
Molecular consequence: intron variant.
Genome position: GRCh38 VCF-style: chr1-193135607-T-TTTTTTTTTNNNNNNN. GRCh37 (hg19) VCF-style: chr1-193104737-T-TTTTTTTTTNNNNNNN.
Identifiers: ClinVar variation 1439476 (VCV001439476.8), dbSNP rs2103121762.

ClinVar aggregate classification (germline): Uncertain significance (1 of 4 stars; one submission).

Conditions:
Parathyroid carcinoma (PRTC). Also called: Parathyroid gland carcinoma; CDC73-Related Parathyroid Carcinoma. Identifiers: Orphanet 143, MedGen C0687150, MONDO:0012004, OMIM 608266, HP:0006780.

Submission:

Labcorp Genetics (formerly Invitae), Labcorp
Classification: Uncertain significance for Parathyroid carcinoma. Last evaluated: 2021-03-12. Review status: criteria provided, single submitter. Criteria: Invitae Variant Classification Sherloc (09022015). Collection method: clinical testing. Allele origin: germline.
Comment: This variant has not been reported in the literature in individuals with CDC73-related conditions. Experimental studies and prediction algorithms are not available or were not evaluated, and the effect of this variant on mRNA splicing is currently unknown. In summary, the available evidence is currently insufficient to determine the role of this variant in disease. Therefore, it has been classified as a Variant of Uncertain Significance. This variant is not present in population databases (ExAC no frequency). This sequence change falls in intron 5 of the CDC73 gene. It does not directly change the encoded amino acid sequence of the CDC73 protein.